The following is an entry in ClinVar:

NM_001171613.2(PREPL):c.939G>T (p.Lys313Asn)

Gene: PREPL (prolyl endopeptidase like; minus strand). Cytogenetic location: 2p21.
Variant type: single nucleotide variant.
Coding change: c.939G>T on transcript NM_001171613.2 (MANE Select); coding-DNA position 939, G replaced by T.
Protein change: p.Lys313Asn; replaces lysine 313 with asparagine.
Molecular consequence: missense variant. On other transcripts: intron variant (1).
Genome position (GRCh38, 1-based): chr2:44,332,606, C>A on the plus strand (G>T on the coding strand, the complement: PREPL is on the minus strand). VCF-style: chr2-44332606-C-A. GRCh37 (hg19) VCF-style: chr2-44559745-C-A.
Other names: c.1020G>T, p.Lys340Asn (NM_001042385.2); c.1206G>T, p.Lys402Asn (NM_001171603.1, NM_001171606.2, NM_001374275.1 and 2 more transcripts); c.939G>T, p.Lys313Asn (NM_001171617.1, NM_001374277.1); c.1156-3494G>T (NM_001042386.2); short protein forms K313N, K402N, K340N.
Identifiers: ClinVar variation 1921807 (VCV001921807.3), dbSNP rs1447154521, ClinGen allele CA346691246.

ClinVar aggregate classification (germline): Uncertain significance. Review status: criteria provided, multiple submitters, no conflicts (2 of 4 stars). 2 submissions from 2 submitters: Uncertain significance (2). Last evaluated 2025-04-10.

Conditions:
Myasthenic syndrome, congenital, 22 (CMS22). Also called: PREPL DEFICIENCY. Identifiers: MedGen C4479088, MONDO:0044299, OMIM 616224.
Inborn genetic diseases. Identifiers: MedGen C0950123, MeSH D030342.

Allele frequency attached by ClinVar (database versions not stated): TOPMed 0.00001.

Submissions (2):

Ambry Genetics
Classification: Uncertain significance for Inborn genetic diseases. Last evaluated: 2025-04-10. Review status: criteria provided, single submitter. Criteria: Ambry Variant Classification Scheme 2023. Collection method: clinical testing. Allele origin: germline.

Labcorp Genetics (formerly Invitae), Labcorp
Classification: Uncertain significance for Myasthenic syndrome, congenital, 22. Last evaluated: 2022-09-12. Review status: criteria provided, single submitter. Criteria: Invitae Variant Classification Sherloc (09022015). Collection method: clinical testing. Allele origin: germline.
Comment: This sequence change replaces lysine, which is basic and polar, with asparagine, which is neutral and polar, at codon 402 of the PREPL protein (p.Lys402Asn). This variant is not present in population databases (gnomAD no frequency). This variant has not been reported in the literature in individuals affected with PREPL-related conditions. Advanced modeling of protein sequence and biophysical properties (such as structural, functional, and spatial information, amino acid conservation, physicochemical variation, residue mobility, and thermodynamic stability) performed at Invitae indicates that this missense variant is not expected to disrupt PREPL protein function. Algorithms developed to predict the effect of sequence changes on RNA splicing suggest that this variant may disrupt the consensus splice site. In summary, the available evidence is currently insufficient to determine the role of this variant in disease. Therefore, it has been classified as a Variant of Uncertain Significance.